The following is an entry in ClinVar:

NM_000256.3(MYBPC3):c.1305G>T (p.Gln435His)

Gene: MYBPC3 (myosin binding protein C3; minus strand). Cytogenetic location: 11p11.2.
Variant type: single nucleotide variant.
Coding change: c.1305G>T on transcript NM_000256.3 (MANE Select); coding-DNA position 1305, G replaced by T.
Protein change: p.Gln435His; replaces glutamine 435 with histidine.
Molecular consequence: missense variant.
Genome position (GRCh38, 1-based): chr11:47,343,067, C>A on the plus strand (G>T on the coding strand, the complement: MYBPC3 is on the minus strand). VCF-style: chr11-47343067-C-A. GRCh37 (hg19) VCF-style: chr11-47364618-C-A.
Other names: short protein forms Q435H.
Identifiers: ClinVar variation 2773746 (VCV002773746.2), dbSNP rs768065513, ClinGen allele CA380327113.
Genomic context (GRCh38, chr11:47,343,067, plus strand): 5'-GGTCCCAGGCCCACCTTTCACAAAGAGCTCCGTGCTACACTTCTCGCCACCCACCACGCA[C>A]TGGTAGGCTGCGTCGTCCGCCAATGAGCACTGGCTGATGGTCAGGGTACGCTTGGCACCG-3'
Protein context (NP_000247.2, residues 425-445): QCSLADDAAY[Gln435His]CVVGGEKCST

ClinVar aggregate classification (germline): Uncertain significance (1 of 4 stars; one submission).

Conditions:
Cardiomyopathy (CMYO). Also called: Cardiomyopathies. Identifiers: Orphanet 167848, MedGen C0878544, MONDO:0004994, HP:0001638. Inheritance: Various modes of inheritance.

Submission:

Color Diagnostics, LLC DBA Color Health
Classification: Uncertain significance for Cardiomyopathy. Last evaluated: 2023-11-20. Review status: criteria provided, single submitter. Criteria: ACMG Guidelines, 2015. Collection method: clinical testing. Allele origin: germline.
Comment: This missense variant replaces glutamine with histidine at codon 435 of the MYBPC3 protein. Computational prediction suggests that this variant may not impact protein structure and function (internally defined REVEL score threshold <= 0.5, PMID: 27666373). To our knowledge, functional studies have not been reported for this variant. This variant has not been reported in individuals affected with MYBPC3-related disorders in the literature. This variant has not been identified in the general population by the Genome Aggregation Database (gnomAD). The available evidence is insufficient to determine the role of this variant in disease conclusively. Therefore, this variant is classified as a Variant of Uncertain Significance.